The following is an entry in ClinVar:

ClinVar aggregate classification (germline): Benign/Likely benign. Review status: criteria provided, multiple submitters, no conflicts (2 of 4 stars). 3 submissions from 3 submitters: Benign (1); Likely benign (2). Last evaluated 2026-07-27.

Conditions:
Hereditary cancer-predisposing syndrome. Also called: Hereditary neoplastic syndrome; Neoplastic Syndromes, Hereditary; Tumor predisposition; Hereditary Cancer Syndrome. Identifiers: Orphanet 140162, MedGen C0027672, MeSH D009386, MONDO:0015356.
Rhabdoid tumor predisposition syndrome 2 (RTPS2). Identifiers: Orphanet 231108, Orphanet 69077, MedGen C2750074, MONDO:0013224, OMIM 613325.

Allele frequency attached by ClinVar (database versions not stated): TOPMed 0.00001; gnomAD exomes below 0.00001.
gnomAD v4.1: 2 of 1,551,084 alleles (0.00013%); highest among the groups gnomAD compares: Non-Finnish European, 0.00017%; no homozygotes.

Submissions (3):

Myriad Genetics, Inc.
Classification: Benign for Rhabdoid tumor predisposition syndrome 2. Last evaluated: 2026-07-27. Review status: criteria provided, single submitter. Criteria: Myriad Autosomal Dominant, Autosomal Recessive and X-Linked Classification Criteria (2023). Collection method: clinical testing. Allele origin: unknown.
Comment: This variant is considered benign. This variant is a silent/synonymous amino acid change and it is not expected to impact splicing.

Labcorp Genetics (formerly Invitae), Labcorp
Classification: Likely benign for Rhabdoid tumor predisposition syndrome 2. Last evaluated: 2025-05-15. Review status: criteria provided, single submitter. Criteria: Invitae Variant Classification Sherloc (09022015). Collection method: clinical testing. Allele origin: germline.

Ambry Genetics
Classification: Likely benign for Hereditary cancer-predisposing syndrome. Last evaluated: 2019-06-27. Review status: criteria provided, single submitter. Criteria: Ambry Variant Classification Scheme 2023. Collection method: clinical testing. Allele origin: germline.

NM_003072.5(SMARCA4):c.4899G>A (p.Glu1633=)

Gene: SMARCA4 (SWI/SNF related BAF chromatin remodeling complex subunit ATPase 4; plus strand). Cytogenetic location: 19p13.2.
Variant type: single nucleotide variant.
Coding change: c.4899G>A on transcript NM_003072.5 (MANE Select); coding-DNA position 4899, G replaced by A.
Protein change: p.Glu1633=; no amino-acid change (glutamic acid 1633 retained).
Molecular consequence: synonymous variant. On other transcripts: non-coding transcript variant (1).
Genome position (GRCh38, 1-based): chr19:11,060,175, G>A. VCF-style: chr19-11060175-G-A. GRCh37 (hg19) VCF-style: chr19-11170851-G-A.
Other names: c.4899G>A, p.Glu1633= (NM_001128844.3); c.4809G>A, p.Glu1603= (NM_001128845.2); c.4806G>A, p.Glu1602= (NM_001128846.2); c.4800G>A, p.Glu1600= (NM_001128847.4, NM_001374457.1); c.4797G>A, p.Glu1599= (NM_001128848.2); c.4995G>A, p.Glu1665= (NM_001128849.3).
Identifiers: ClinVar variation 764450 (VCV000764450.15), dbSNP rs982968342, ClinGen allele CA305298968.